The following is an entry in ClinVar:

ClinVar aggregate classification (germline): Pathogenic/Likely pathogenic. Review status: criteria provided, multiple submitters, no conflicts (2 of 4 stars). 2 submissions from 2 submitters: Pathogenic (1); Likely pathogenic (1). Last evaluated 2023-02-24.

Conditions:
Complex cortical dysplasia with other brain malformations 5. Identifiers: MedGen C3810407, MONDO:0014337, OMIM 615763.

Submissions (2):

Institute of Medical Genetics and Applied Genomics, University Hospital Tübingen
Classification: Likely pathogenic for Complex cortical dysplasia with other brain malformations 5. Last evaluated: 2023-02-24. Review status: criteria provided, single submitter. Criteria: ACMG Guidelines, 2015. Collection method: clinical testing. Allele origin: de novo. Inheritance: Autosomal dominant inheritance. Affected: yes.

Labcorp Genetics (formerly Invitae), Labcorp
Classification: Pathogenic. Last evaluated: 2022-03-24. Review status: criteria provided, single submitter. Criteria: Invitae Variant Classification Sherloc (09022015). Collection method: clinical testing. Allele origin: germline.
Comment: For these reasons, this variant has been classified as Pathogenic. Advanced modeling of protein sequence and biophysical properties (such as structural, functional, and spatial information, amino acid conservation, physicochemical variation, residue mobility, and thermodynamic stability) performed at Invitae indicates that this missense variant is expected to disrupt TUBB2A protein function. This missense change has been observed in individual(s) with clinical features of TUBB2A-related conditions (PMID: 32571897). In at least one individual the variant was observed to be de novo. This variant is not present in population databases (gnomAD no frequency). This sequence change replaces serine, which is neutral and polar, with leucine, which is neutral and non-polar, at codon 230 of the TUBB2A protein (p.Ser230Leu).

Literature cited by the submitters: PubMed 32571897 (cited by Labcorp Genetics (formerly Invitae), Labcorp).

NM_001069.3(TUBB2A):c.689C>T (p.Ser230Leu)

Gene: TUBB2A (tubulin beta 2A class IIa; minus strand). Cytogenetic location: 6p25.2.
Variant type: single nucleotide variant.
Coding change: c.689C>T on transcript NM_001069.3 (MANE Select); coding-DNA position 689, C replaced by T.
Protein change: p.Ser230Leu; replaces serine 230 with leucine.
Molecular consequence: missense variant.
Genome position (GRCh38, 1-based): chr6:3,154,512, G>A on the plus strand (C>T on the coding strand, the complement: TUBB2A is on the minus strand). VCF-style: chr6-3154512-G-A. GRCh37 (hg19) VCF-style: chr6-3154746-G-A.
Other names: c.434C>T, p.Ser145Leu (NM_001310315.2); short protein forms S230L, S145L.
Identifiers: ClinVar variation 1929379 (VCV001929379.6), dbSNP rs2533524634, ClinGen allele CA362592176.